The following is an entry in ClinVar:

NM_020366.4(RPGRIP1):c.1078-9C>A

Gene: RPGRIP1 (RPGR interacting protein 1; plus strand). Cytogenetic location: 14q11.2.
Variant type: single nucleotide variant.
Coding change: c.1078-9C>A on transcript NM_020366.4 (MANE Select); 9 bases into the intron before coding-DNA position 1078, C replaced by A.
Molecular consequence: intron variant.
Genome position (GRCh38, 1-based): chr14:21,312,424, C>A. VCF-style: chr14-21312424-C-A. GRCh37 (hg19) VCF-style: chr14-21780583-C-A.
Identifiers: ClinVar variation 708095 (VCV000708095.19), dbSNP rs371312060, ClinGen allele CA7088863.

ClinVar aggregate classification (germline): Conflicting classifications of pathogenicity. Review status: criteria provided, conflicting classifications (1 of 4 stars). 7 submissions from 5 submitters: Uncertain significance (2); Likely benign (5). Last evaluated 2026-01-30.

Conditions:
RPGRIP1-related disorder. Also called: RPGRIP1-related condition.
Cone-rod dystrophy 13 (CORD13). Identifiers: Orphanet 1872, MedGen C2750720, MONDO:0011987, OMIM 608194.
Leber congenital amaurosis 6 (LCA6). Identifiers: Orphanet 65, MedGen C1854260, MONDO:0013446, OMIM 613826.

Allele frequency attached by ClinVar (database versions not stated): gnomAD exomes 0.00011 and 0.00004; ExAC 0.00016; ESP Exome Variant Server 0.00017; gnomAD 0.00038 and 0.00042; 1000 Genomes Project 0.00040; 1000 Genomes Project 30x 0.00047; TOPMed 0.00049.
gnomAD v4.1: 123 of 1,589,782 alleles (0.0077%); highest among the groups gnomAD compares: African/African-American, 0.15%; no homozygotes.

Submissions (7):

Labcorp Genetics (formerly Invitae), Labcorp
Classification: Likely benign for Leber congenital amaurosis 6; Cone-rod dystrophy 13. Last evaluated: 2026-01-30. Review status: criteria provided, single submitter. Criteria: Invitae Variant Classification Sherloc (09022015). Collection method: clinical testing. Allele origin: germline.

PreventionGenetics, part of Exact Sciences
Classification: Likely benign for RPGRIP1-related condition. Last evaluated: 2024-11-07. Review status: criteria provided, single submitter. Criteria: ACMG Guidelines, 2015. Collection method: clinical testing. Allele origin: germline.
Comment: This variant is classified as likely benign based on ACMG/AMP sequence variant interpretation guidelines (Richards et al. 2015 PMID: 25741868, with internal and published modifications).

Blueprint Genetics
Classification: Likely benign. Last evaluated: 2024-07-10. Review status: criteria provided, single submitter. Criteria: ACMG Guidelines, 2015. Collection method: clinical testing. Allele origin: germline.

Genome-Nilou Lab
Classification: Likely benign for Leber congenital amaurosis 6. Last evaluated: 2021-11-07. Review status: criteria provided, single submitter. Criteria: ACMG Guidelines, 2015. Collection method: clinical testing. Allele origin: germline. Affected: no.

Genome-Nilou Lab
Classification: Likely benign for Cone-rod dystrophy 13. Last evaluated: 2021-11-07. Review status: criteria provided, single submitter. Criteria: ACMG Guidelines, 2015. Collection method: clinical testing. Allele origin: germline. Affected: no.

Illumina Laboratory Services, Illumina
Classification: Uncertain significance for Leber congenital amaurosis 6. Last evaluated: 2018-01-12. Review status: criteria provided, single submitter. Criteria: ICSL Variant Classification Criteria 13 December 2019. Collection method: clinical testing. Allele origin: germline.

Illumina Laboratory Services, Illumina
Classification: Uncertain significance for Cone-rod dystrophy 13. Last evaluated: 2018-01-12. Review status: criteria provided, single submitter. Criteria: ICSL Variant Classification Criteria 13 December 2019. Collection method: clinical testing. Allele origin: germline.